The following is an entry in ClinVar:

ClinVar aggregate classification (germline): Uncertain significance (1 of 4 stars; one submission).

Submission:

GeneDx
Classification: Uncertain significance. Last evaluated: 2015-05-28. Review status: criteria provided, single submitter. Criteria: GeneDx Variant Classification (06012015). Collection method: clinical testing. Allele origin: germline. Affected: yes.
Comment: p.His1514Tyr (H1514Y) (CAT>TAT): c.4540 C>T in exon 35 of the FBN2 gene (NM_001999.3) The H1514Y variant has not been published as a mutation, nor has it been reported as a benign polymorphism to our knowledge. The H1514Y variant was not observed in approximately 6500 individuals of European and African American ancestry in the NHLBI Exome Sequencing Project, indicating it is not a common benign variant in these populations. The H1514Y variant is a non-conservative amino acid substitution, which is likely to impact secondary protein structure as these residues differ in polarity, charge, size and/or other properties. This substitution occurs at a position where amino acids with similar properties to tyrosine are tolerated across species. While this variant is located in the calcium-binding EGF-like domain 25, it does not affect a Cysteine residue within this domain. Cysteine substitutions in the calcium-binding EGF-like domains represent the majority of pathogenic missense changes associated with CCA (Collod-Beroud et al.,2003). In silico analysis is inconsistent in its predictions as to whether or not the variant is damaging to the protein structure/function. Futhermore, no missense mutations in nearby residues have been reported, suggesting this region of the protein may be tolerant of change. Therefore, based on the currently available information, it is unclear whether this variant is a pathogenic mutation or a rare benign variant. This variant was found in TAADV2-PANCARD

NM_001999.4(FBN2):c.4540C>T (p.His1514Tyr)

Gene: FBN2 (fibrillin 2; minus strand). Cytogenetic location: 5q23.3.
Variant type: single nucleotide variant.
Coding change: c.4540C>T on transcript NM_001999.4 (MANE Select); coding-DNA position 4540, C replaced by T.
Protein change: p.His1514Tyr; replaces histidine 1514 with tyrosine.
Molecular consequence: missense variant.
Genome position (GRCh38, 1-based): chr5:128,318,933, G>A on the plus strand (C>T on the coding strand, the complement: FBN2 is on the minus strand). VCF-style: chr5-128318933-G-A. GRCh37 (hg19) VCF-style: chr5-127654625-G-A.
Other names: short protein forms H1514Y.
Identifiers: ClinVar variation 213411 (VCV000213411.2), dbSNP rs863223608, ClinGen allele CA324754.